The following is an entry in ClinVar:

ClinVar aggregate classification (germline): Uncertain significance (1 of 4 stars; one submission).

Conditions:
Hereditary cancer-predisposing syndrome. Also called: Neoplastic Syndromes, Hereditary; Tumor predisposition; Hereditary neoplastic syndrome; Hereditary Cancer Syndrome. Identifiers: Orphanet 140162, MedGen C0027672, MeSH D009386, MONDO:0015356.

Submission:

Ambry Genetics
Classification: Uncertain significance for Hereditary cancer-predisposing syndrome. Last evaluated: 2024-04-17. Review status: criteria provided, single submitter. Criteria: Ambry Variant Classification Scheme 2023. Collection method: clinical testing. Allele origin: germline.
Comment: The c.-3G>A variant is located in the 5' untranslated region (5&rsquo; UTR) of the SMARCB1 gene. This variant results from a G to A substitution 3 bases upstream from the first translated codon. This nucleotide position is well conserved in available vertebrate species. Based on the available evidence, the clinical significance of this variant remains unclear.

NM_003073.5(SMARCB1):c.-3G>A

Gene: SMARCB1 (SWI/SNF related BAF chromatin remodeling complex subunit B1; plus strand). Cytogenetic location: 22q11.23.
Variant type: single nucleotide variant.
Coding change: c.-3G>A on transcript NM_003073.5 (MANE Select); 3 bases upstream of the start codon, G replaced by A.
Molecular consequence: 5 prime UTR variant.
Genome position (GRCh38, 1-based): chr22:23,787,167, G>A. VCF-style: chr22-23787167-G-A. GRCh37 (hg19) VCF-style: chr22-24129354-G-A.
Other names: c.-3G>A (NM_001007468.3, NM_001317946.2, NM_001362877.2).
Identifiers: ClinVar variation 3320794 (VCV003320794.1).
Genomic context (GRCh38, chr22:23,787,167, plus strand): 5'-GCCCCGCCCCAGCCCTCCTGATCCCTCGCAGCCCGGCTCCGGCCGCCCGCCTCTGCCGCC[G>A]CAATGATGATGATGGCGCTGAGCAAGACCTTCGGGCAGAAGCCCGTGAAGTTCCAGCTGG-3'